The following is an entry in ClinVar:

NM_002485.5(NBN):c.2018C>A (p.Ser673Tyr)

Gene: NBN (nibrin; minus strand). Cytogenetic location: 8q21.3.
Variant type: single nucleotide variant.
Coding change: c.2018C>A on transcript NM_002485.5 (MANE Select); coding-DNA position 2018, C replaced by A.
Protein change: p.Ser673Tyr; replaces serine 673 with tyrosine.
Molecular consequence: missense variant.
Genome position (GRCh38, 1-based): chr8:89,946,192, G>T on the plus strand (C>A on the coding strand, the complement: NBN is on the minus strand). VCF-style: chr8-89946192-G-T. GRCh37 (hg19) VCF-style: chr8-90958420-G-T.
Other names: c.1772C>A, p.Ser591Tyr (NM_001024688.3); short protein forms S591Y, S673Y.
Identifiers: ClinVar variation 2910219 (VCV002910219.3), dbSNP rs1810179050, ClinGen allele CA371676431.
Genomic context (GRCh38, chr8:89,946,192, plus strand): 5'-ATACCTACCTTTTTGAATTTCTTGAAATTTTTTAGTTGACCATAATCATCATTTATGCCA[G>T]ATGGATTTCTGGAAGTAGAGTTTTTAATCACCAGTGATCTAAATTCAGTCAATAACAGCT-3'
Protein context (NP_002476.2, residues 663-683): VIKNSTSRNP[Ser673Tyr]GINDDYGQLK

ClinVar aggregate classification (germline): Uncertain significance (1 of 4 stars; one submission).

Conditions:
Microcephaly, normal intelligence and immunodeficiency (NBS). Also called: IMMUNODEFICIENCY, MICROCEPHALY, AND CHROMOSOMAL INSTABILITY; Ataxia telangiectasia variant V1; SEEMANOVA SYNDROME II; Immunodeficiency, microcephaly with normal intelligence; Nijmegen breakage syndrome; Microcephaly with normal intelligence immunodeficiency and lymphoreticular malignancies. Identifiers: Orphanet 647, MedGen C0398791, MONDO:0009623, OMIM 251260.

Submission:

Labcorp Genetics (formerly Invitae), Labcorp
Classification: Uncertain significance for Microcephaly, normal intelligence and immunodeficiency. Last evaluated: 2025-03-04. Review status: criteria provided, single submitter. Criteria: Invitae Variant Classification Sherloc (09022015). Collection method: clinical testing. Allele origin: germline.
Comment: This sequence change replaces serine, which is neutral and polar, with tyrosine, which is neutral and polar, at codon 673 of the NBN protein (p.Ser673Tyr). This variant is not present in population databases (gnomAD no frequency). This variant has not been reported in the literature in individuals affected with NBN-related conditions. ClinVar contains an entry for this variant (Variation ID: 2910219). An algorithm developed to predict the effect of missense changes on protein structure and function (PolyPhen-2) suggests that this variant is likely to be tolerated. In summary, the available evidence is currently insufficient to determine the role of this variant in disease. Therefore, it has been classified as a Variant of Uncertain Significance.